The following is an entry in ClinVar:

NM_024077.5(SECISBP2):c.1167A>C (p.Thr389=)

Gene: SECISBP2 (SECIS binding protein 2; plus strand). Cytogenetic location: 9q22.2.
Variant type: single nucleotide variant.
Coding change: c.1167A>C on transcript NM_024077.5 (MANE Select); coding-DNA position 1167, A replaced by C.
Protein change: p.Thr389=; no amino-acid change (threonine 389 retained).
Molecular consequence: synonymous variant.
Genome position (GRCh38, 1-based): chr9:89,338,535, A>C. VCF-style: chr9-89338535-A-C. GRCh37 (hg19) VCF-style: chr9-91953450-A-C.
Other names: c.1164A>C, p.Thr388= (NM_001282688.2); c.948A>C, p.Thr316= (NM_001282689.2); c.963A>C, p.Thr321= (NM_001282690.1); c.1050A>C, p.Thr350= (NM_001354696.2, NM_001354698.2); c.1053A>C, p.Thr351= (NM_001354697.2); c.282A>C, p.Thr94= (NM_001354702.2).
Identifiers: ClinVar variation 2659295 (VCV002659295.24), dbSNP rs2547562510, ClinGen allele CA465789886.
Genomic context (GRCh38, chr9:89,338,535, plus strand): 5'-TAGTGACCTTGAACAAAATGAAGCCTCAAGAAAGAATAAGAAAAAGAAAGAAAAATCTAC[A>C]TCAAAATATGAAGTCCTGACAGTTCAAGAGCCTCCAAGGATTGAAGTACATTTATATTTT-3'
Protein context (NP_076982.3, residues 379-399): RKNKKKKEKS[Thr389=]SKYEVLTVQE

ClinVar aggregate classification (germline): Likely benign (1 of 4 stars; one submission).

Allele frequency attached by ClinVar (database versions not stated): gnomAD exomes below 0.00001.
gnomAD v4.1: 1 of 1,613,154 alleles (0.000062%); highest among the groups gnomAD compares: South Asian, 0.0011%; no homozygotes.

Submission:

CeGaT Center for Human Genetics Tuebingen
Classification: Likely benign. Last evaluated: 2023-01-01. Review status: criteria provided, single submitter. Criteria: CeGaT Center For Human Genetics Tuebingen Variant Classification Criteria Version 2. Collection method: clinical testing. Allele origin: germline. Affected: yes. Observed: 1 variant allele.
Comment: SECISBP2: PM2:Supporting, BP4, BP7